The following is an entry in ClinVar:

NM_139321.3(ATRN):c.3417-3C>A

Gene: ATRN (attractin; plus strand). Cytogenetic location: 20p13.
Variant type: single nucleotide variant.
Coding change: c.3417-3C>A on transcript NM_139321.3 (MANE Select); 3 bases into the intron before coding-DNA position 3417, C replaced by A.
Molecular consequence: intron variant.
Genome position (GRCh38, 1-based): chr20:3,596,374, C>A. VCF-style: chr20-3596374-C-A. GRCh37 (hg19) VCF-style: chr20-3577021-C-A.
Other names: c.3417-3C>A (NM_001323332.2, NM_139322.4); c.3069-3C>A (NM_001207047.3).
Identifiers: ClinVar variation 2849984 (VCV002849984.3), dbSNP rs765948887, ClinGen allele CA1014865019.

ClinVar aggregate classification (germline): Uncertain significance (1 of 4 stars; one submission).

gnomAD v4.1: 1 of 1,612,250 alleles (0.000062%); highest among the groups gnomAD compares: Admixed American, 0.0017%; no homozygotes.

Submission:

Labcorp Genetics (formerly Invitae), Labcorp
Classification: Uncertain significance. Last evaluated: 2023-03-27. Review status: criteria provided, single submitter. Criteria: Invitae Variant Classification Sherloc (09022015). Collection method: clinical testing. Allele origin: germline.
Comment: In summary, the available evidence is currently insufficient to determine the role of this variant in disease. Therefore, it has been classified as a Variant of Uncertain Significance. Variants that disrupt the consensus splice site are a relatively common cause of aberrant splicing (PMID: 17576681, 9536098). Algorithms developed to predict the effect of sequence changes on RNA splicing suggest that this variant may disrupt the consensus splice site. This variant has not been reported in the literature in individuals affected with ATRN-related conditions. This variant is not present in population databases (gnomAD no frequency). This sequence change falls in intron 20 of the ATRN gene. It does not directly change the encoded amino acid sequence of the ATRN protein. It affects a nucleotide within the consensus splice site.

Literature cited by the submitters: PubMed 17576681; PubMed 9536098.